The following is an entry in ClinVar:

ClinVar aggregate classification (germline): Uncertain significance (1 of 4 stars; one submission).

Allele frequency attached by ClinVar (database versions not stated): gnomAD exomes below 0.00001.
gnomAD v4.1: 5 of 1,608,374 alleles (0.00031%); highest among the groups gnomAD compares: Non-Finnish European, 0.00034%; no homozygotes.

Submission:

Labcorp Genetics (formerly Invitae), Labcorp
Classification: Uncertain significance. Last evaluated: 2024-03-04. Review status: criteria provided, single submitter. Criteria: Invitae Variant Classification Sherloc (09022015). Collection method: clinical testing. Allele origin: germline.
Comment: This sequence change replaces alanine, which is neutral and non-polar, with threonine, which is neutral and polar, at codon 282 of the ABHD12 protein (p.Ala282Thr). This variant is not present in population databases (gnomAD no frequency). This variant has not been reported in the literature in individuals affected with ABHD12-related conditions. ClinVar contains an entry for this variant (Variation ID: 1003378). Advanced modeling of protein sequence and biophysical properties (such as structural, functional, and spatial information, amino acid conservation, physicochemical variation, residue mobility, and thermodynamic stability) performed at Invitae indicates that this missense variant is not expected to disrupt ABHD12 protein function with a negative predictive value of 80%. In summary, the available evidence is currently insufficient to determine the role of this variant in disease. Therefore, it has been classified as a Variant of Uncertain Significance.

NM_001042472.3(ABHD12):c.844G>A (p.Ala282Thr)

Gene: ABHD12 (abhydrolase domain containing 12, lysophospholipase; minus strand). Cytogenetic location: 20p11.21.
Variant type: single nucleotide variant.
Coding change: c.844G>A on transcript NM_001042472.3 (MANE Select); coding-DNA position 844, G replaced by A.
Protein change: p.Ala282Thr; replaces alanine 282 with threonine.
Molecular consequence: missense variant.
Genome position (GRCh38, 1-based): chr20:25,307,989, C>T on the plus strand (G>A on the coding strand, the complement: ABHD12 is on the minus strand). VCF-style: chr20-25307989-C-T. GRCh37 (hg19) VCF-style: chr20-25288625-C-T.
Other names: c.844G>A, p.Ala282Thr (NM_015600.5); short protein forms A282T.
Identifiers: ClinVar variation 1003378 (VCV001003378.9), dbSNP rs2088776274, ClinGen allele CA408455849.